The following is an entry in ClinVar:

NM_020778.5(ALPK3):c.4286T>C (p.Ile1429Thr)

Gene: ALPK3 (alpha kinase 3; plus strand). Cytogenetic location: 15q25.3.
Variant type: single nucleotide variant.
Coding change: c.4286T>C on transcript NM_020778.5 (MANE Select); coding-DNA position 4286, T replaced by C.
Protein change: p.Ile1429Thr; replaces isoleucine 1429 with threonine.
Molecular consequence: missense variant.
Genome position (GRCh38, 1-based): chr15:84,862,791, T>C. VCF-style: chr15-84862791-T-C. GRCh37 (hg19) VCF-style: chr15-85406022-T-C.
Other names: short protein forms I1429T.
Identifiers: ClinVar variation 1520096 (VCV001520096.6), dbSNP rs547317664, ClinGen allele CA7709914.

ClinVar aggregate classification (germline): Uncertain significance (1 of 4 stars; one submission).

Allele frequency attached by ClinVar (database versions not stated): gnomAD exomes below 0.00001 and 0.00001; TOPMed below 0.00001; ExAC 0.00001; gnomAD 0.00001; 1000 Genomes Project 30x 0.00016; 1000 Genomes Project 0.00020.

Submission:

Labcorp Genetics (formerly Invitae), Labcorp
Classification: Uncertain significance. Last evaluated: 2023-06-28. Review status: criteria provided, single submitter. Criteria: Invitae Variant Classification Sherloc (09022015). Collection method: clinical testing. Allele origin: germline.
Comment: In summary, the available evidence is currently insufficient to determine the role of this variant in disease. Therefore, it has been classified as a Variant of Uncertain Significance. An algorithm developed to predict the effect of missense changes on protein structure and function (PolyPhen-2) suggests that this variant is likely to be disruptive. ClinVar contains an entry for this variant (Variation ID: 1520096). This variant has not been reported in the literature in individuals affected with ALPK3-related conditions. This variant is present in population databases (rs547317664, gnomAD 0.002%). This sequence change replaces isoleucine, which is neutral and non-polar, with threonine, which is neutral and polar, at codon 1631 of the ALPK3 protein (p.Ile1631Thr).